The following is an entry in ClinVar:

NM_001844.5(COL2A1):c.2355+5G>A

Gene: COL2A1 (collagen type II alpha 1 chain; minus strand). Cytogenetic location: 12q13.11.
Variant type: single nucleotide variant.
Coding change: c.2355+5G>A on transcript NM_001844.5 (MANE Select); 5 bases into the intron after coding-DNA position 2355, G replaced by A.
Molecular consequence: intron variant.
Genome position (GRCh38, 1-based): chr12:47,982,102, C>T on the plus strand (G>A on the coding strand, the complement: COL2A1 is on the minus strand). VCF-style: chr12-47982102-C-T. GRCh37 (hg19) VCF-style: chr12-48375885-C-T.
Other names: c.2148+5G>A (NM_033150.3).
Identifiers: ClinVar variation 497538 (VCV000497538.8), dbSNP rs1555166294, ClinGen allele CA658797885.

ClinVar aggregate classification (germline): Likely pathogenic. Review status: criteria provided, multiple submitters, no conflicts (2 of 4 stars). 3 submissions from 3 submitters: Likely pathogenic (3). Last evaluated 2025-08-11.

Submissions (3):

GeneDx
Classification: Likely pathogenic. Last evaluated: 2025-08-11. Review status: criteria provided, single submitter. Criteria: GeneDx Variant Classification Process June 2021. Collection method: clinical testing. Allele origin: germline. Affected: yes.
Comment: Non-canonical splice site variant demonstrated to result in loss of function (PMID: 38246255); Not observed at significant frequency in large population cohorts (gnomAD); Identified in two patients with a clinical diagnosis of Stickler syndrome referred for COL2A1 analysis; however, specific clinical information for each proband was not provided (PMID: 20179744); This variant is associated with the following publications: (PMID: 25525159, 38246255, 20179744)

Labcorp Genetics (formerly Invitae), Labcorp
Classification: Likely pathogenic. Last evaluated: 2023-02-16. Review status: criteria provided, single submitter. Criteria: Invitae Variant Classification Sherloc (09022015). Collection method: clinical testing. Allele origin: germline.
Comment: This sequence change falls in intron 35 of the COL2A1 gene. It does not directly change the encoded amino acid sequence of the COL2A1 protein. It affects a nucleotide within the consensus splice site. This variant is not present in population databases (gnomAD no frequency). This variant has been observed in individual(s) with Stickler syndrome (PMID: 20179744; Invitae). ClinVar contains an entry for this variant (Variation ID: 497538). Variants that disrupt the consensus splice site are a relatively common cause of aberrant splicing (PMID: 17576681, 9536098). Studies have shown that this variant is associated with altered splicing resulting in unknown protein product impact (PMID: 20179744). In summary, the currently available evidence indicates that the variant is pathogenic, but additional data are needed to prove that conclusively. Therefore, this variant has been classified as Likely Pathogenic.

Eurofins Ntd Llc (ga)
Classification: Likely pathogenic. Last evaluated: 2016-12-16. Review status: criteria provided, single submitter. Criteria: EGL Classification Definitions 2015. Collection method: clinical testing. Allele origin: germline. Observed: 2 variant alleles, 2 heterozygotes.

Literature cited by the submitters: PubMed 20179744 (cited by Labcorp Genetics (formerly Invitae), Labcorp); PubMed 17576681 (cited by Labcorp Genetics (formerly Invitae), Labcorp); PubMed 9536098 (cited by Labcorp Genetics (formerly Invitae), Labcorp).